The following is an entry in ClinVar:

ClinVar aggregate classification (germline): Uncertain significance (1 of 4 stars; one submission).

Conditions:
Aortic aneurysm, familial thoracic 7 (AAT7). Also called: AORTIC DISSECTION, FAMILIAL, WITH OR WITHOUT AORTIC ANEURYSM. Identifiers: MedGen C3151077, MONDO:0013418, OMIM 613780.

Allele frequency attached by ClinVar (database versions not stated): TOPMed 0.00002.
gnomAD v4.1: 2 of 1,599,392 alleles (0.00013%); highest among the groups gnomAD compares: Admixed American, 0.0017%; no homozygotes.

Submission:

Labcorp Genetics (formerly Invitae), Labcorp
Classification: Uncertain significance for Aortic aneurysm, familial thoracic 7. Last evaluated: 2024-04-27. Review status: criteria provided, single submitter. Criteria: Invitae Variant Classification Sherloc (09022015). Collection method: clinical testing. Allele origin: germline.
Comment: This sequence change falls in intron 17 of the MYLK gene. It does not directly change the encoded amino acid sequence of the MYLK protein. It affects a nucleotide within the consensus splice site. This variant is not present in population databases (gnomAD no frequency). This variant has not been reported in the literature in individuals affected with MYLK-related conditions. ClinVar contains an entry for this variant (Variation ID: 2003145). Variants that disrupt the consensus splice site are a relatively common cause of aberrant splicing (PMID: 17576681, 9536098). Algorithms developed to predict the effect of sequence changes on RNA splicing suggest that this variant may disrupt the consensus splice site. In summary, the available evidence is currently insufficient to determine the role of this variant in disease. Therefore, it has been classified as a Variant of Uncertain Significance.

Literature cited by the submitters: PubMed 17576681; PubMed 9536098.

NM_053025.4(MYLK):c.2463-3C>A

Gene: MYLK (myosin light chain kinase; minus strand). Cytogenetic location: 3q21.1.
Variant type: single nucleotide variant.
Coding change: c.2463-3C>A on transcript NM_053025.4 (MANE Select); 3 bases into the intron before coding-DNA position 2463, C replaced by A.
Molecular consequence: intron variant.
Genome position (GRCh38, 1-based): chr3:123,701,008, G>T on the plus strand (C>A on the coding strand, the complement: MYLK is on the minus strand). VCF-style: chr3-123701008-G-T. GRCh37 (hg19) VCF-style: chr3-123419855-G-T.
Other names: c.1935-3C>A (NM_001321309.2); c.2256-3C>A (NM_053028.4, NM_053026.4); c.2463-3C>A (NM_053027.4).
Identifiers: ClinVar variation 2003145 (VCV002003145.3), dbSNP rs1239985909, ClinGen allele CA1398515001.
Genomic context (GRCh38, chr3:123,701,008, plus strand): 5'-ACCATCAGCACCAACTCCTCCACCACAGAGGTCCTCGCAGCTGGCAGGCTCCCTCCCCCT[G>T]CAACCAGTGTAGGGAAAAAGGAAAGTAGCAGGAGGAAAAGGGGCTGGGTAAGAAAGAAAC-3'